The following is an entry in ClinVar:

NM_001943.5(DSG2):c.770A>G (p.Gln257Arg)

Gene: DSG2 (desmoglein 2; plus strand). Cytogenetic location: 18q12.1.
Variant type: single nucleotide variant.
Coding change: c.770A>G on transcript NM_001943.5 (MANE Select); coding-DNA position 770, A replaced by G.
Protein change: p.Gln257Arg; replaces glutamine 257 with arginine.
Molecular consequence: missense variant.
Genome position (GRCh38, 1-based): chr18:31,524,527, A>G. VCF-style: chr18-31524527-A-G. GRCh37 (hg19) VCF-style: chr18-29104490-A-G.
Other names: p.Gln257Arg; c.770A>G (LRG_397t1); short protein forms Q257R.
Identifiers: ClinVar variation 420771 (VCV000420771.17), dbSNP rs765118809, ClinGen allele CA049874.

ClinVar aggregate classification (germline): Conflicting classifications of pathogenicity. Review status: criteria provided, conflicting classifications (1 of 4 stars). 6 submissions from 6 submitters: Uncertain significance (5); Likely benign (1). Last evaluated 2026-10-16.

Conditions:
Arrhythmogenic right ventricular dysplasia 10. Also called: Arrhythmogenic Right Ventricular Dysplasia/Cardiomyopathy10; ARRHYTHMOGENIC RIGHT VENTRICULAR DYSPLASIA, FAMILIAL, 10; Arrhythmogenic right ventricular dysplasia/cardiomyopathy, type 10. Identifiers: MedGen C1857777, MONDO:0012434, OMIM 610193.
Cardiovascular phenotype. Identifiers: MedGen CN230736.
Arrhythmogenic right ventricular cardiomyopathy (ARVD). Also called: Cardiomyopathy, ARVC; Arrhythmogenic right ventricular dysplasia; Arrhythmogenic Right Ventricular Cardiomyopathy (ARVC); Arrhythmogenic cardiomyopathy. Identifiers: Orphanet 247, MedGen C0349788, MeSH D019571, MONDO:0016587. Disease mechanism: loss of function. Inheritance: Various modes of inheritance.
Cardiomyopathy (CMYO). Also called: Cardiomyopathies. Identifiers: Orphanet 167848, MedGen C0878544, MONDO:0004994, HP:0001638. Inheritance: Various modes of inheritance.

Allele frequency attached by ClinVar (database versions not stated): TOPMed 0.00001; gnomAD exomes 0.00002 and 0.00003; gnomAD 0.00001; ExAC 0.00001.

Submissions (6):

GeneDx
Classification: Uncertain significance. Last evaluated: 2026-10-16. Review status: criteria provided, single submitter. Criteria: GeneDx Variant Classification Process June 2021. Collection method: clinical testing. Allele origin: germline.
Comment: Not observed at significant frequency in large population cohorts (gnomAD); In silico analysis suggests that this missense variant does not alter protein structure/function; Has not been previously published as pathogenic or benign to our knowledge; This variant is associated with the following publications: (PMID: 38757491)

Labcorp Genetics (formerly Invitae), Labcorp
Classification: Uncertain significance for Arrhythmogenic right ventricular dysplasia 10. Last evaluated: 2026-01-08. Review status: criteria provided, single submitter. Criteria: Invitae Variant Classification Sherloc (09022015). Collection method: clinical testing. Allele origin: germline.
Comment: This sequence change replaces glutamine, which is neutral and polar, with arginine, which is basic and polar, at codon 257 of the DSG2 protein (p.Gln257Arg). This variant is present in population databases (rs765118809, gnomAD 0.002%). This variant has not been reported in the literature in individuals affected with DSG2-related conditions. ClinVar contains an entry for this variant (Variation ID: 420771). Invitae Evidence Modeling of protein sequence and biophysical properties (such as structural, functional, and spatial information, amino acid conservation, physicochemical variation, residue mobility, and thermodynamic stability) has been performed for this missense variant. However, the output from this modeling did not meet the statistical confidence thresholds required to predict the impact of this variant on DSG2 protein function. In summary, the available evidence is currently insufficient to determine the role of this variant in disease. Therefore, it has been classified as a Variant of Uncertain Significance.

Color Diagnostics, LLC DBA Color Health
Classification: Likely benign for Cardiomyopathy. Last evaluated: 2025-09-22. Review status: criteria provided, single submitter. Criteria: ACMG Guidelines, 2015. Collection method: clinical testing. Allele origin: germline.

Ambry Genetics
Classification: Uncertain significance for Cardiovascular phenotype. Last evaluated: 2025-02-06. Review status: criteria provided, single submitter. Criteria: Ambry Variant Classification Scheme 2023. Collection method: clinical testing. Allele origin: germline.
Comment: The p.Q257R variant (also known as c.770A>G), located in coding exon 7 of the DSG2 gene, results from an A to G substitution at nucleotide position 770. The glutamine at codon 257 is replaced by arginine, an amino acid with highly similar properties. This amino acid position is well conserved in available vertebrate species. In addition, this alteration is predicted to be tolerated by in silico analysis. Based on the available evidence, the clinical significance of this variant remains unclear.

Mayo Clinic Laboratories, Mayo Clinic
Classification: Uncertain significance. Last evaluated: 2024-04-24. Review status: criteria provided, single submitter. Criteria: ACMG Guidelines, 2015. Collection method: clinical testing. Allele origin: germline. Observed: 1 variant allele.
Comment: BP4, PM2

All of Us Research Program, National Institutes of Health
Classification: Uncertain significance for Arrhythmogenic right ventricular cardiomyopathy. Last evaluated: 2023-11-28. Review status: criteria provided, single submitter. Criteria: ACMG Guidelines, 2015. Collection method: clinical testing. Allele origin: germline. Inheritance: Autosomal dominant inheritance. Observed: 3 variant alleles, 3 heterozygotes.
Comment: This missense variant replaces glutamine with arginine at codon 257 of the DSG2 protein. Computational prediction tools and conservation analyses suggest that this variant may not impact protein structure and function. Splice site prediction tools suggest that this variant may not impact RNA splicing. To our knowledge, functional studies have not been performed for this variant. This variant has not been reported in individuals affected with cardiovascular disorders in the literature. This variant has been identified in 5/280270 chromosomes in the general population by the Genome Aggregation Database (gnomAD). The available evidence is insufficient to determine the role of this variant in disease conclusively. Therefore, this variant is classified as a Variant of Uncertain Significance.

This study involves interpretation of variants in research participants for the purpose of population health screening. Participant phenotype was not available at the time of variant classification. Additional details can be found in publication PMID: 35346344, PMCID: PMC8962531

Literature cited by the submitters: PubMed 38757491 (cited by Ambry Genetics).